The following is an entry in ClinVar:

NM_001367823.1(ARHGEF18):c.968-301_968-258del

Gene: ARHGEF18 (Rho/Rac guanine nucleotide exchange factor 18; plus strand). Cytogenetic location: 19p13.2.
Variant type: Deletion.
Coding change: c.968-301_968-258del on transcript NM_001367823.1 (MANE Select); 301 bases into the intron before coding-DNA position 968 through 258 bases into the intron before coding-DNA position 968, 44 bases deleted.
Molecular consequence: intron variant. On other transcripts: 5 prime UTR variant (1).
Genome position (GRCh38, 1-based): chr19:7,440,043-7,440,086, 44 bases deleted; deleting any 44 consecutive bases within chr19:7,440,041-7,440,086 gives the same sequence; the c. name uses the placement nearest the transcript's 3' end. GRCh37 (hg19): chr19:7,504,929-7,504,972.
Other names: c.-60_-17del (NM_001130955.2); c.-226-146_-226-103del (NM_001367824.1); c.-71-301_-71-258del (NM_015318.4).
Identifiers: ClinVar variation 4708364 (VCV004708364.1).

ClinVar aggregate classification (germline): Pathogenic (1 of 4 stars; one submission).

Submission:

Labcorp Genetics (formerly Invitae), Labcorp
Classification: Pathogenic. Last evaluated: 2025-12-03. Review status: criteria provided, single submitter. Criteria: Invitae Variant Classification Sherloc (09022015). Collection method: clinical testing. Allele origin: germline.
Comment: This sequence change creates a premature translational stop signal (p.His35Serfs*44) in the ARHGEF18 gene. It is expected to result in an absent or disrupted protein product. Loss-of-function variants in ARHGEF18 are known to be pathogenic (PMID: 28132693). The frequency data for this variant in the population databases is considered unreliable, as metrics indicate poor data quality at this position in the gnomAD database. This variant has not been reported in the literature in individuals affected with ARHGEF18-related conditions. For these reasons, this variant has been classified as Pathogenic.

Literature cited by the submitters: PubMed 28132693.